The following is an entry in ClinVar:

NM_001267550.2(TTN):c.106724A>C (p.Glu35575Ala)

Genes: TTN (titin; minus strand), TTN-AS1 (TTN antisense RNA 1; plus strand). Cytogenetic location: 2q31.2.
Variant type: single nucleotide variant.
Coding change: c.106724A>C on transcript NM_001267550.2 (MANE Select); coding-DNA position 106724, A replaced by C.
Protein change: p.Glu35575Ala; replaces glutamic acid 35575 with alanine.
Molecular consequence: missense variant.
Genome position (GRCh38, 1-based): chr2:178,529,027, T>G on the plus strand (A>C on the coding strand, the complement: TTN is on the minus strand). VCF-style: chr2-178529027-T-G. GRCh37 (hg19) VCF-style: chr2-179393754-T-G.
Other names: c.101801A>C, p.Glu33934Ala (NM_001256850.1); c.79529A>C, p.Glu26510Ala (NM_003319.4); c.99020A>C, p.Glu33007Ala (NM_133378.4); c.79904A>C, p.Glu26635Ala (NM_133432.3); c.80105A>C, p.Glu26702Ala (NM_133437.4); short protein forms E26635A, E26702A, E33934A, E26510A, E35575A, E33007A.
Identifiers: ClinVar variation 2121483 (VCV002121483.4), dbSNP rs2468308925, ClinGen allele CA349403393.

ClinVar aggregate classification (germline): Uncertain significance (1 of 4 stars; one submission).

Conditions:
Autosomal recessive limb-girdle muscular dystrophy type 2J (LGMDR10). Also called: Limb-girdle muscular dystrophy, type 2J; MUSCULAR DYSTROPHY, LIMB-GIRDLE, AUTOSOMAL RECESSIVE 10. Identifiers: Orphanet 140922, MedGen C1837342, MONDO:0012127, OMIM 608807.
Dilated cardiomyopathy 1G (CMD1G). Identifiers: Orphanet 154, MedGen C1858763, MONDO:0011400, OMIM 604145.

Submission:

Labcorp Genetics (formerly Invitae), Labcorp
Classification: Uncertain significance for Dilated cardiomyopathy 1G; Autosomal recessive limb-girdle muscular dystrophy type 2J. Last evaluated: 2022-10-25. Review status: criteria provided, single submitter. Criteria: Invitae Variant Classification Sherloc (09022015). Collection method: clinical testing. Allele origin: germline.
Comment: This variant is located in the M band of TTN (PMID: 25589632). Variants in this region may be relevant for neuromuscular disorders, but have not been definitively shown to cause cardiomyopathy (PMID: 23975875). In summary, the available evidence is currently insufficient to determine the role of this variant in disease. Therefore, it has been classified as a Variant of Uncertain Significance. Experimental studies and prediction algorithms are not available or were not evaluated, and the functional significance of this variant is currently unknown. This variant has not been reported in the literature in individuals affected with TTN-related conditions. This variant is not present in population databases (gnomAD no frequency). This sequence change replaces glutamic acid, which is acidic and polar, with alanine, which is neutral and non-polar, at codon 35575 of the TTN protein (p.Glu35575Ala).

Literature cited by the submitters: PubMed 25589632; PubMed 23975875.